The following is an entry in ClinVar:

ClinVar aggregate classification (germline): Uncertain significance. Review status: criteria provided, multiple submitters, no conflicts (2 of 4 stars). 3 submissions from 3 submitters: Uncertain significance (3). Last evaluated 2022-03-15.

Conditions:
Luscan-Lumish syndrome. Identifiers: Orphanet 597738, MedGen C4085873, MONDO:0014791, OMIM 616831.

Submissions (3):

Genome-Nilou Lab
Classification: Uncertain significance for Luscan-Lumish syndrome. Last evaluated: 2022-03-15. Review status: criteria provided, single submitter. Criteria: ACMG Guidelines, 2015. Collection method: clinical testing. Allele origin: germline. Affected: no.

Department of Clinical Genetics, Copenhagen University Hospital, Rigshospitalet
Classification: Uncertain significance for Luscan-Lumish syndrome. Last evaluated: 2021-08-01. Review status: criteria provided, single submitter. Criteria: ACMG Guidelines, 2015. Collection method: clinical testing. Allele origin: unknown. Affected: yes.

Labcorp Genetics (formerly Invitae), Labcorp
Classification: Uncertain significance for Luscan-Lumish syndrome. Last evaluated: 2017-09-10. Review status: criteria provided, single submitter. Criteria: Invitae Variant Classification Sherloc (09022015). Collection method: clinical testing. Allele origin: germline.
Comment: This sequence change replaces aspartic acid with glycine at codon 1957 of the SETD2 protein (p.Asp1957Gly). The aspartic acid residue is moderately conserved and there is a moderate physicochemical difference between aspartic acid and glycine. This variant is not present in population databases (ExAC no frequency). This variant has not been reported in the literature in individuals with SETD2-related disease. Algorithms developed to predict the effect of missense changes on protein structure and function do not agree on the potential impact of this missense change (SIFT: "Deleterious"; PolyPhen-2: "Benign"; Align-GVGD: "Class C0"). In summary, the available evidence is currently insufficient to determine the role of this variant in disease. Therefore, it has been classified as a Variant of Uncertain Significance.

NM_014159.7(SETD2):c.5870A>G (p.Asp1957Gly)

Gene: SETD2 (SET domain containing 2, histone lysine methyltransferase; minus strand). Cytogenetic location: 3p21.31.
Variant type: single nucleotide variant.
Coding change: c.5870A>G on transcript NM_014159.7 (MANE Select); coding-DNA position 5870, A replaced by G.
Protein change: p.Asp1957Gly; replaces aspartic acid 1957 with glycine.
Molecular consequence: missense variant. On other transcripts: non-coding transcript variant (1).
Genome position (GRCh38, 1-based): chr3:47,083,910, T>C on the plus strand (A>G on the coding strand, the complement: SETD2 is on the minus strand). VCF-style: chr3-47083910-T-C. GRCh37 (hg19) VCF-style: chr3-47125400-T-C.
Other names: c.5738A>G, p.Asp1913Gly (NM_001349370.3); short protein forms D1957G, D1913G.
Identifiers: ClinVar variation 542228 (VCV000542228.9), dbSNP rs1553690289, ClinGen allele CA352533008.